The following is an entry in ClinVar:

ClinVar aggregate classification (germline): Benign/Likely benign. Review status: criteria provided, multiple submitters, no conflicts (2 of 4 stars). 7 submissions from 7 submitters: Benign (2); Likely benign (3). 2 of the submissions do not count toward it. Last evaluated 2025-11-10.

Conditions:
Congenital contractural arachnodactyly (CCA). Also called: BEALS SYNDROME; Arthrogryposis, distal, type 9; Beals-Hecht syndrome. Identifiers: Orphanet 115, MedGen C0220668, MONDO:0007363, OMIM 121050.
Familial thoracic aortic aneurysm and aortic dissection (TAAD). Also called: Thoracic aortic aneurysms and dissections. Identifiers: Orphanet 91387, MedGen C4707243, MONDO:0019625.

Allele frequency attached by ClinVar (database versions not stated): TOPMed 0.00004; gnomAD 0.00006; 1000 Genomes Project 0.00060; 1000 Genomes Project 30x 0.00062.
gnomAD v4.1: 105 of 1,613,956 alleles (0.0065%); highest among the groups gnomAD compares: South Asian, 0.058%; 1 homozygote.

Submissions (7):

Labcorp Genetics (formerly Invitae), Labcorp
Classification: Benign for Congenital contractural arachnodactyly. Last evaluated: 2025-11-10. Review status: criteria provided, single submitter. Criteria: Invitae Variant Classification Sherloc (09022015). Collection method: clinical testing. Allele origin: germline.

Women's Health and Genetics/Laboratory Corporation of America, LabCorp
Classification: Benign. Last evaluated: 2024-12-27. Review status: criteria provided, single submitter. Criteria: LabCorp Variant Classification Summary - May 2015. Collection method: clinical testing. Allele origin: germline.

CeGaT Center for Human Genetics Tuebingen
Classification: Likely benign. Last evaluated: 2024-02-01. Review status: criteria provided, single submitter. Criteria: CeGaT Center For Human Genetics Tuebingen Variant Classification Criteria Version 2. Collection method: clinical testing. Allele origin: germline. Affected: yes. Observed: 1 variant allele.
Comment: FBN2: BP4, BP7

GeneDx
Classification: Likely benign. Last evaluated: 2021-04-09. Review status: criteria provided, single submitter. Criteria: GeneDx Variant Classification Process June 2021. Collection method: clinical testing. Allele origin: germline. Affected: yes.

Ambry Genetics
Classification: Likely benign for Familial thoracic aortic aneurysm and aortic dissection. Last evaluated: 2017-08-05. Review status: criteria provided, single submitter. Criteria: Ambry Variant Classification Scheme 2023. Collection method: clinical testing. Allele origin: germline.

Clinical Genetics DNA and cytogenetics Diagnostics Lab, Erasmus MC, Erasmus Medical Center
Classification: Likely benign. Review status: no assertion criteria provided. Collection method: clinical testing. Allele origin: germline. Affected: yes. Study: VKGL Data-share Consensus. Not counted in ClinVar's aggregate classification.

Genome Diagnostics Laboratory, Amsterdam University Medical Center
Classification: Likely benign. Review status: no assertion criteria provided. Collection method: clinical testing. Allele origin: germline. Affected: yes. Study: VKGL Data-share Consensus. Not counted in ClinVar's aggregate classification.

NM_001999.4(FBN2):c.8520C>T (p.Asn2840=)

Gene: FBN2 (fibrillin 2; minus strand). Cytogenetic location: 5q23.3.
Variant type: single nucleotide variant.
Coding change: c.8520C>T on transcript NM_001999.4 (MANE Select); coding-DNA position 8520, C replaced by T.
Protein change: p.Asn2840=; no amino-acid change (asparagine 2840 retained).
Molecular consequence: synonymous variant.
Genome position (GRCh38, 1-based): chr5:128,259,674, G>A on the plus strand (C>T on the coding strand, the complement: FBN2 is on the minus strand). VCF-style: chr5-128259674-G-A. GRCh37 (hg19) VCF-style: chr5-127595366-G-A.
Identifiers: ClinVar variation 681713 (VCV000681713.34), dbSNP rs139098335, ClinGen allele CA3393794.